The following is an entry in ClinVar:

NM_001378457.1(DMXL2):c.6564G>A (p.Gln2188=)

Gene: DMXL2 (Dmx like 2; minus strand). Cytogenetic location: 15q21.2.
Variant type: single nucleotide variant.
Coding change: c.6564G>A on transcript NM_001378457.1 (MANE Select); coding-DNA position 6564, G replaced by A.
Protein change: p.Gln2188=; no amino-acid change (glutamine 2188 retained).
Molecular consequence: synonymous variant. On other transcripts: non-coding transcript variant (2).
Genome position (GRCh38, 1-based): chr15:51,480,542, C>T on the plus strand (G>A on the coding strand, the complement: DMXL2 is on the minus strand). VCF-style: chr15-51480542-C-T. GRCh37 (hg19) VCF-style: chr15-51772739-C-T.
Other names: c.6564G>A, p.Gln2188= (NM_001174116.3, NM_001378458.1, NM_001378459.1 and 4 more transcripts); c.4656G>A, p.Gln1552= (NM_001174117.3); c.4545G>A, p.Gln1515= (NM_001378460.1); c.6324G>A, p.Gln2108= (NM_001378464.1).
Identifiers: ClinVar variation 2083349 (VCV002083349.4), dbSNP rs2140364565, ClinGen allele CA490596393.
Genomic context (GRCh38, chr15:51,480,542, plus strand): 5'-CTGGAAGAGCTACTGAAATTACTGAAATAACCAAGATTGAAAAAAAAGTGATATTCACAC[C>T]TGTTGTGATTCTTGTAGCAAAAATTTGAGTTCCATCCTTACTGAAGCCAAACCACCACCT-3'
Protein context (NP_001365386.1, residues 2178-2198): ELKFLLQESQ[Gln2188=]ETTVKQLQSP

ClinVar aggregate classification (germline): Uncertain significance (1 of 4 stars; one submission).

Submission:

Labcorp Genetics (formerly Invitae), Labcorp
Classification: Uncertain significance. Last evaluated: 2022-07-06. Review status: criteria provided, single submitter. Criteria: Invitae Variant Classification Sherloc (09022015). Collection method: clinical testing. Allele origin: germline.
Comment: In summary, the available evidence is currently insufficient to determine the role of this variant in disease. Therefore, it has been classified as a Variant of Uncertain Significance. Variants that disrupt the consensus splice site are a relatively common cause of aberrant splicing (PMID: 17576681, 9536098). Algorithms developed to predict the effect of sequence changes on RNA splicing suggest that this variant may disrupt the consensus splice site. This variant has not been reported in the literature in individuals affected with DMXL2-related conditions. This variant is not present in population databases (gnomAD no frequency). This sequence change affects codon 2188 of the DMXL2 mRNA. It is a 'silent' change, meaning that it does not change the encoded amino acid sequence of the DMXL2 protein. This variant also falls at the last nucleotide of exon 24, which is part of the consensus splice site for this exon.

Literature cited by the submitters: PubMed 17576681; PubMed 9536098.